The following is an entry in ClinVar:

ClinVar aggregate classification (germline): Uncertain significance (1 of 4 stars; one submission).

Submission:

GeneDx
Classification: Uncertain significance. Last evaluated: 2025-08-13. Review status: criteria provided, single submitter. Criteria: GeneDx Variant Classification Process June 2021. Collection method: clinical testing. Allele origin: germline. Affected: yes.
Comment: Not observed at significant frequency in large population cohorts (gnomAD); In silico analysis suggests that this missense variant does not alter protein structure/function; Has not been previously published as pathogenic or benign to our knowledge

NM_004656.4(BAP1):c.1492G>A (p.Glu498Lys)

Gene: BAP1 (BRCA1 associated deubiquitinase 1; minus strand). Cytogenetic location: 3p21.1.
Variant type: single nucleotide variant.
Coding change: c.1492G>A on transcript NM_004656.4 (MANE Select); coding-DNA position 1492, G replaced by A.
Protein change: p.Glu498Lys; replaces glutamic acid 498 with lysine.
Molecular consequence: missense variant.
Genome position (GRCh38, 1-based): chr3:52,403,653, C>T on the plus strand (G>A on the coding strand, the complement: BAP1 is on the minus strand). VCF-style: chr3-52403653-C-T. GRCh37 (hg19) VCF-style: chr3-52437669-C-T.
Other names: c.1438G>A, p.Glu480Lys (NM_001410772.1); short protein forms E498K, E480K.
Identifiers: ClinVar variation 4795444 (VCV004795444.1).